The following is an entry in ClinVar:

NM_018646.6(TRPV6):c.655G>A (p.Val219Met)

Gene: TRPV6 (transient receptor potential cation channel subfamily V member 6; minus strand). Cytogenetic location: 7q34.
Variant type: single nucleotide variant.
Coding change: c.655G>A on transcript NM_018646.6 (MANE Select); coding-DNA position 655, G replaced by A.
Protein change: p.Val219Met; replaces valine 219 with methionine.
Molecular consequence: missense variant.
Genome position (GRCh38, 1-based): chr7:142,876,790, C>T on the plus strand (G>A on the coding strand, the complement: TRPV6 is on the minus strand). VCF-style: chr7-142876790-C-T. GRCh37 (hg19) VCF-style: chr7-142574543-C-T.
Other names: short protein forms V219M.
Identifiers: ClinVar variation 3811182 (VCV003811182.2).

ClinVar aggregate classification (germline): Uncertain significance. Review status: criteria provided, multiple submitters, no conflicts (2 of 4 stars). 2 submissions from 2 submitters: Uncertain significance (2). Last evaluated 2025-07-10.

Conditions:
Inborn genetic diseases. Identifiers: MedGen C0950123, MeSH D030342.

gnomAD v4.1: 22 of 1,613,972 alleles (0.0014%); highest among the groups gnomAD compares: Middle Eastern, 0.016%; no homozygotes.

Submissions (2):

Labcorp Genetics (formerly Invitae), Labcorp
Classification: Uncertain significance. Last evaluated: 2025-07-10. Review status: criteria provided, single submitter. Criteria: Invitae Variant Classification Sherloc (09022015). Collection method: clinical testing. Allele origin: germline.
Comment: This sequence change replaces valine, which is neutral and non-polar, with methionine, which is neutral and non-polar, at codon 219 of the TRPV6 protein (p.Val219Met). This variant is present in population databases (no rsID available, gnomAD 0.002%). This variant has not been reported in the literature in individuals affected with TRPV6-related conditions. ClinVar contains an entry for this variant (Variation ID: 3811182). Experimental studies and prediction algorithms are not available or were not evaluated, and the functional significance of this variant is currently unknown. In summary, the available evidence is currently insufficient to determine the role of this variant in disease. Therefore, it has been classified as a Variant of Uncertain Significance.

Ambry Genetics
Classification: Uncertain significance for Inborn genetic diseases. Last evaluated: 2025-02-12. Review status: criteria provided, single submitter. Criteria: Ambry Variant Classification Scheme 2023. Collection method: clinical testing. Allele origin: germline.